The following is an entry in ClinVar:

NM_001384140.1(PCDH15):c.922G>T (p.Asp308Tyr)

Gene: PCDH15 (protocadherin related 15; minus strand). Cytogenetic location: 10q21.1.
Variant type: single nucleotide variant.
Coding change: c.922G>T on transcript NM_001384140.1 (MANE Select); coding-DNA position 922, G replaced by T.
Protein change: p.Asp308Tyr; replaces aspartic acid 308 with tyrosine.
Molecular consequence: missense variant.
Genome position (GRCh38, 1-based): chr10:54,236,886, C>A on the plus strand (G>T on the coding strand, the complement: PCDH15 is on the minus strand). VCF-style: chr10-54236886-C-A. GRCh37 (hg19) VCF-style: chr10-55996646-C-A.
Other names: c.856G>T, p.Asp286Tyr (NM_001142773.2, NM_001354404.2, NM_001142768.2); c.922G>T, p.Asp308Tyr (NM_001354411.2, NM_001354420.2, NM_001354429.2 and 7 more transcripts); c.937G>T, p.Asp313Tyr (NM_001142763.2, NM_001142769.4, NM_001142771.2); c.811G>T, p.Asp271Tyr (NM_001142767.2); short protein forms D271Y, D286Y, D308Y, D313Y.
Identifiers: ClinVar variation 1010314 (VCV001010314.8), dbSNP rs2054681160, ClinGen allele CA376527993.
Genomic context (GRCh38, chr10:54,236,886, plus strand): 5'-CAAGGATGGAATAGAGGATTCCTGGCCTATCTGATGGCGGTTGAATATTCCGGTCCTGAT[C>A]AATGGCTTGGATTGGTGGCGTAACAATAATGGGGTTCAGTTCTTCCTGAAAAAAAAATTA-3'
Protein context (NP_001371069.1, residues 298-318): IIVTPPIQAI[Asp308Tyr]QDRNIQPPSD

ClinVar aggregate classification (germline): Uncertain significance (1 of 4 stars; one submission).

gnomAD v4.1: 2 of 1,613,588 alleles (0.00012%); highest among the groups gnomAD compares: Non-Finnish European, 0.00017%; no homozygotes.

Submission:

Labcorp Genetics (formerly Invitae), Labcorp
Classification: Uncertain significance. Last evaluated: 2020-09-27. Review status: criteria provided, single submitter. Criteria: Invitae Variant Classification Sherloc (09022015). Collection method: clinical testing. Allele origin: germline.
Comment: This sequence change replaces aspartic acid with tyrosine at codon 308 of the PCDH15 protein (p.Asp308Tyr). The aspartic acid residue is highly conserved and there is a large physicochemical difference between aspartic acid and tyrosine. This variant is not present in population databases (ExAC no frequency). This variant has not been reported in the literature in individuals with PCDH15-related conditions. Algorithms developed to predict the effect of missense changes on protein structure and function are either unavailable or do not agree on the potential impact of this missense change (SIFT: "Deleterious"; PolyPhen-2: "Probably Damaging"; Align-GVGD: "Class C15"). In summary, the available evidence is currently insufficient to determine the role of this variant in disease. Therefore, it has been classified as a Variant of Uncertain Significance.